The following is an entry in ClinVar:

NM_145239.3(PRRT2):c.170C>A (p.Ala57Asp)

Genes: MVP-DT (MVP divergent transcript; minus strand), PRRT2 (proline rich transmembrane protein 2; plus strand). Cytogenetic location: 16p11.2.
Variant type: single nucleotide variant.
Coding change: c.170C>A on transcript NM_145239.3 (MANE Select); coding-DNA position 170, C replaced by A.
Protein change: p.Ala57Asp; replaces alanine 57 with aspartic acid.
Molecular consequence: missense variant.
Genome position (GRCh38, 1-based): chr16:29,813,224, C>A. VCF-style: chr16-29813224-C-A. GRCh37 (hg19) VCF-style: chr16-29824545-C-A.
Other names: c.170C>A, p.Ala57Asp (NM_001256442.2, NM_001256443.2); short protein forms A57D.
Identifiers: ClinVar variation 1005676 (VCV001005676.9), dbSNP rs1262636745, ClinGen allele CA395477545.
Genomic context (GRCh38, chr16:29,813,224, plus strand): 5'-TCCTAGCAGGGGTACCAGACCAGCCAGAGGCCCCGCAGCCAGGTCCAAACACCACTGCGG[C>A]CCCTGTGGACTCAGGGCCCAAGGCTGGGCTGGCTCCAGAAACCACAGAGACCCCGGCTGG-3'
Protein context (NP_660282.2, residues 47-67): APQPGPNTTA[Ala57Asp]PVDSGPKAGL

ClinVar aggregate classification (germline): Uncertain significance (1 of 4 stars; one submission).

Conditions:
Episodic kinesigenic dyskinesia (EKD). Also called: Paroxysmal kinesigenic dyskinesia. Identifiers: Orphanet 98809, MedGen C1868682, MONDO:0044202.

Submission:

Labcorp Genetics (formerly Invitae), Labcorp
Classification: Uncertain significance for Episodic kinesigenic dyskinesia. Last evaluated: 2022-10-28. Review status: criteria provided, single submitter. Criteria: Invitae Variant Classification Sherloc (09022015). Collection method: clinical testing. Allele origin: germline.
Comment: In summary, the available evidence is currently insufficient to determine the role of this variant in disease. Therefore, it has been classified as a Variant of Uncertain Significance. Advanced modeling of protein sequence and biophysical properties (such as structural, functional, and spatial information, amino acid conservation, physicochemical variation, residue mobility, and thermodynamic stability) performed at Invitae indicates that this missense variant is not expected to disrupt PRRT2 protein function. ClinVar contains an entry for this variant (Variation ID: 1005676). This variant has not been reported in the literature in individuals affected with PRRT2-related conditions. This variant is not present in population databases (gnomAD no frequency). This sequence change replaces alanine, which is neutral and non-polar, with aspartic acid, which is acidic and polar, at codon 57 of the PRRT2 protein (p.Ala57Asp).